The following is an entry in ClinVar:

NM_006618.5(KDM5B):c.1013G>T (p.Cys338Phe)

Gene: KDM5B (lysine demethylase 5B; minus strand). Cytogenetic location: 1q32.1.
Variant type: single nucleotide variant.
Coding change: c.1013G>T on transcript NM_006618.5 (MANE Select); coding-DNA position 1013, G replaced by T.
Protein change: p.Cys338Phe; replaces cysteine 338 with phenylalanine.
Molecular consequence: missense variant.
Genome position (GRCh38, 1-based): chr1:202,760,479, C>A on the plus strand (G>T on the coding strand, the complement: KDM5B is on the minus strand). VCF-style: chr1-202760479-C-A. GRCh37 (hg19) VCF-style: chr1-202729607-C-A.
Other names: c.1121G>T, p.Cys374Phe (NM_001314042.2); c.878G>T, p.Cys293Phe (NM_001347591.2); c.998G>T, p.Cys333Phe (NM_001399817.1); short protein forms C293F, C333F, C338F, C374F.
Identifiers: ClinVar variation 3388466 (VCV003388466.14).

ClinVar aggregate classification (germline): Uncertain significance (1 of 4 stars; one submission).

Submission:

CeGaT Center for Human Genetics Tuebingen
Classification: Uncertain significance. Last evaluated: 2024-10-01. Review status: criteria provided, single submitter. Criteria: CeGaT Center For Human Genetics Tuebingen Variant Classification Criteria Version 2. Collection method: clinical testing. Allele origin: germline. Affected: yes. Observed: 1 variant allele.
Comment: KDM5B: PM2, PP3